The following is an entry in ClinVar:

ClinVar aggregate classification (germline): Uncertain significance (1 of 4 stars; one submission).

Submission:

GeneDx
Classification: Uncertain significance. Last evaluated: 2025-05-19. Review status: criteria provided, single submitter. Criteria: GeneDx Variant Classification Process June 2021. Collection method: clinical testing. Allele origin: germline. Affected: yes.
Comment: Not observed at significant frequency in large population cohorts (gnomAD); Frameshift variant predicted to result in protein truncation or nonsense mediated decay in a gene or region of a gene for which loss of function is not a well-established mechanism of disease; Has not been previously published as pathogenic or benign to our knowledge

NM_001378974.1(FBXW11):c.803_807del (p.Gln268fs)

Gene: FBXW11 (F-box and WD repeat domain containing 11; minus strand). Cytogenetic location: 5q35.1.
Variant type: Deletion.
Coding change: c.803_807del on transcript NM_001378974.1 (MANE Select); coding-DNA positions 803 to 807, 5 bases deleted (AGTAC; older notation c.803_807delAGTAC).
Protein change: p.Gln268fs; shifts the reading frame from glutamine 268.
Molecular consequence: frameshift variant.
Genome position (GRCh38, 1-based): chr5:171,891,512-171,891,516, GTACT deleted on the plus strand (AGTAC on the coding strand, the reverse complement: FBXW11 is on the minus strand); deleting any 5 consecutive bases within chr5:171,891,512-171,891,519 gives the same sequence; the c. name uses the placement nearest the transcript's 3' end. VCF-style (leftmost placement, unchanged base first): chr5-171891511-CGTACT-C. GRCh37 (hg19) VCF-style: chr5-171318515-CGTACT-C.
Other names: c.734_738del, p.Gln245fs (NM_001378975.1); c.707_711del, p.Gln236fs (NM_001378976.1); c.644_648del, p.Gln215fs (NM_001378977.1, NM_001378978.1, NM_001378979.1); c.638_642del, p.Gln213fs (NM_001378980.1, NM_033645.3); c.740_744del, p.Gln247fs (NM_012300.3); c.701_705del, p.Gln234fs (NM_033644.3); short protein forms Q213fs, Q215fs, Q234fs, Q236fs, Q245fs, Q247fs, Q268fs.
Identifiers: ClinVar variation 1316075 (VCV001316075.3), dbSNP rs2113843929, ClinGen allele CA2573052473.